The following is an entry in ClinVar:

NM_174936.4(PCSK9):c.1782C>T (p.Ala594=)

Gene: PCSK9 (proprotein convertase subtilisin/kexin type 9; plus strand). Cytogenetic location: 1p32.3.
Variant type: single nucleotide variant.
Coding change: c.1782C>T on transcript NM_174936.4 (MANE Select); coding-DNA position 1782, C replaced by T.
Protein change: p.Ala594=; no amino-acid change (alanine 594 retained).
Molecular consequence: synonymous variant. On other transcripts: non-coding transcript variant (8).
Genome position (GRCh38, 1-based): chr1:55,061,475, C>T. VCF-style: chr1-55061475-C-T. GRCh37 (hg19) VCF-style: chr1-55527148-C-T.
Other names: c.1905C>T, p.Ala635= (NM_001407240.1); c.1824C>T, p.Ala608= (NM_001407241.1); c.1785C>T, p.Ala595= (NM_001407242.1); c.1725C>T, p.Ala575= (NM_001407243.1); c.1608C>T, p.Ala536= (NM_001407244.1); c.1590C>T, p.Ala530= (NM_001407245.1); c.1407C>T, p.Ala469= (NM_001407246.1); c.1281C>T, p.Ala427= (NM_001407247.1).
Identifiers: ClinVar variation 1780028 (VCV001780028.3), dbSNP rs2523278309, ClinGen allele CA417960540.

ClinVar aggregate classification (germline): Likely benign. Review status: criteria provided, multiple submitters, no conflicts (2 of 4 stars). 2 submissions from 2 submitters: Likely benign (2). Last evaluated 2024-02-22.

Conditions:
Hypercholesterolemia, autosomal dominant, 3 (FHCL3). Also called: Familial Hypercholesterolemia, Autosomal Dominant, 3; PCSK9-Related Familial Hypercholesterolemia, Autosomal Dominant; Familial hypercholesterolemia 3. Identifiers: MedGen C1863551, MONDO:0011369, OMIM 603776.
Cardiovascular phenotype. Identifiers: MedGen CN230736.

Submissions (2):

All of Us Research Program, National Institutes of Health
Classification: Likely benign for Hypercholesterolemia, autosomal dominant, 3. Last evaluated: 2024-02-22. Review status: criteria provided, single submitter. Criteria: ACMG Guidelines, 2015. Collection method: clinical testing. Allele origin: germline. Inheritance: Autosomal dominant inheritance. Observed: 1 variant allele, 1 heterozygote.
Comment: This study involves interpretation of variants in research participants for the purpose of population health screening. Participant phenotype was not available at the time of variant classification. Additional details can be found in publication PMID: 35346344, PMCID: PMC8962531

Ambry Genetics
Classification: Likely benign for Cardiovascular phenotype. Last evaluated: 2020-03-16. Review status: criteria provided, single submitter. Criteria: Ambry Variant Classification Scheme 2023. Collection method: clinical testing. Allele origin: germline.